The following is an entry in ClinVar:

ClinVar aggregate classification (germline): Uncertain significance (1 of 4 stars; one submission).

Conditions:
Autosomal recessive limb-girdle muscular dystrophy type 2Y (MRRSDC). Also called: Muscular dystrophy, autosomal recessive, with rigid spine and distal joint contractures; Muscular dystrophy, limb-girdle, type 2y. Identifiers: Orphanet 424261, MedGen C4511482, MONDO:0014900, OMIM 617072.

gnomAD v4.1: 2 of 1,569,390 alleles (0.00013%); highest among the groups gnomAD compares: Non-Finnish European, 0.00017%; no homozygotes.

Submission:

Labcorp Genetics (formerly Invitae), Labcorp
Classification: Uncertain significance for Autosomal recessive limb-girdle muscular dystrophy type 2Y. Last evaluated: 2022-07-09. Review status: criteria provided, single submitter. Criteria: Invitae Variant Classification Sherloc (09022015). Collection method: clinical testing. Allele origin: germline.
Comment: In summary, the available evidence is currently insufficient to determine the role of this variant in disease. Therefore, it has been classified as a Variant of Uncertain Significance. Algorithms developed to predict the effect of missense changes on protein structure and function (SIFT, PolyPhen-2, Align-GVGD) all suggest that this variant is likely to be tolerated. This variant has not been reported in the literature in individuals affected with TOR1AIP1-related conditions. This variant is not present in population databases (gnomAD no frequency). This sequence change replaces arginine, which is basic and polar, with lysine, which is basic and polar, at codon 46 of the TOR1AIP1 protein (p.Arg46Lys).

NM_015602.4(TOR1AIP1):c.137G>A (p.Arg46Lys)

Genes: TOR1AIP1 (torsin 1A interacting protein 1; plus strand), LOC112577517 (Sharpr-MPRA regulatory region 13766; plus strand). Cytogenetic location: 1q25.2.
Variant type: single nucleotide variant.
Coding change: c.137G>A on transcript NM_015602.4 (MANE Select); coding-DNA position 137, G replaced by A.
Protein change: p.Arg46Lys; replaces arginine 46 with lysine.
Molecular consequence: missense variant.
Genome position (GRCh38, 1-based): chr1:179,882,639, G>A. VCF-style: chr1-179882639-G-A. GRCh37 (hg19) VCF-style: chr1-179851774-G-A.
Other names: c.137G>A, p.Arg46Lys (NM_001267578.2); short protein forms R46K.
Identifiers: ClinVar variation 2165028 (VCV002165028.4), dbSNP rs753648390, ClinGen allele CA343577710.